The following is an entry in ClinVar:

ClinVar aggregate classification (germline): Uncertain significance (1 of 4 stars; one submission).

Submission:

Labcorp Genetics (formerly Invitae), Labcorp
Classification: Uncertain significance. Last evaluated: 2023-04-07. Review status: criteria provided, single submitter. Criteria: Invitae Variant Classification Sherloc (09022015). Collection method: clinical testing. Allele origin: germline.
Comment: Information on the frequency of this variant in the gnomAD database is not available, as this variant may be reported differently in the database. This sequence change replaces leucine, which is neutral and non-polar, with tryptophan, which is neutral and slightly polar, at codon 1434 of the MYO7A protein (p.Leu1434Trp). An algorithm developed to predict the effect of missense changes on protein structure and function (PolyPhen-2) suggests that this variant is likely to be disruptive. ClinVar contains an entry for this variant (Variation ID: 2013468). This variant has not been reported in the literature in individuals affected with MYO7A-related conditions. In summary, the available evidence is currently insufficient to determine the role of this variant in disease. Therefore, it has been classified as a Variant of Uncertain Significance.

NM_000260.4(MYO7A):c.4300_4301delinsTG (p.Leu1434Trp)

Gene: MYO7A (myosin VIIA; plus strand). Cytogenetic location: 11q13.5.
Variant type: Indel.
Coding change: c.4300_4301delinsTG on transcript NM_000260.4 (MANE Select); coding-DNA positions 4300 to 4301, CT replaced by TG.
Protein change: p.Leu1434Trp; replaces leucine 1434 with tryptophan.
Molecular consequence: missense variant.
Genome position (GRCh38, 1-based): chr11:77,194,501-77,194,502, CT replaced by TG. VCF-style: chr11-77194501-CT-TG. GRCh37 (hg19) VCF-style: chr11-76905546-CT-TG.
Other names: c.4300_4301delinsTG, p.Leu1434Trp (NM_001127180.2); c.4267_4268delinsTG, p.Leu1423Trp (NM_001369365.1); short protein forms L1434W, L1423W.
Identifiers: ClinVar variation 2013468 (VCV002013468.4), dbSNP rs2497492984, ClinGen allele CA2580085027.